The following is an entry in ClinVar:

ClinVar aggregate classification (germline): Uncertain significance (1 of 4 stars; one submission).

Submission:

Ambry Genetics
Classification: Uncertain significance. Last evaluated: 2022-02-10. Review status: criteria provided, single submitter. Criteria: Ambry Variant Classification Scheme 2023. Collection method: clinical testing. Allele origin: germline.
Comment: The p.K872E variant (also known as c.2614A>G), located in coding exon 26 of the NEBL gene, results from an A to G substitution at nucleotide position 2614. The lysine at codon 872 is replaced by glutamic acid, an amino acid with similar properties. This amino acid position is conserved. In addition, this alteration is predicted to be tolerated by in silico analysis. Since supporting evidence is limited at this time, the clinical significance of this alteration remains unclear.

NM_006393.3(NEBL):c.2614A>G (p.Lys872Glu)

Gene: NEBL (nebulette; minus strand). Cytogenetic location: 10p12.31.
Variant type: single nucleotide variant.
Coding change: c.2614A>G on transcript NM_006393.3 (MANE Select); coding-DNA position 2614, A replaced by G.
Protein change: p.Lys872Glu; replaces lysine 872 with glutamic acid.
Molecular consequence: missense variant. On other transcripts: intron variant (9).
Genome position (GRCh38, 1-based): chr10:20,808,657, T>C on the plus strand (A>G on the coding strand, the complement: NEBL is on the minus strand). VCF-style: chr10-20808657-T-C. GRCh37 (hg19) VCF-style: chr10-21097586-T-C.
Other names: c.421+4112A>G (NM_001377326.1, NM_001377327.1, NM_001377328.1); c.529+4112A>G (NM_213569.2, NM_001173484.2); c.622+1149A>G (NM_001377322.1); c.472+4112A>G (NM_001377324.1); c.463+4112A>G (NM_001377325.1); c.481+4112A>G (NM_001377323.1); short protein forms K872E.
Identifiers: ClinVar variation 1793838 (VCV001793838.2), dbSNP rs2491562340, ClinGen allele CA376092943.
Genomic context (GRCh38, chr10:20,808,657, plus strand): 5'-CTGTACCGAAAGTACTGCTGGAATGGGATCGAGACCAGTGTCGCCTATAGTGACTCGCCT[T>C]TTCTATATTGGAGGGAAAATATTTACACGTGTGATTAAGTGACTCGAAAAACAAAATCAA-3'
Protein context (NP_006384.1, residues 862-882): QSRSLHMLSE[Lys872Glu]ASHYRRHWSR